The following is an entry in ClinVar:

NM_031935.3(HMCN1):c.12788C>T (p.Thr4263Ile)

Gene: HMCN1 (hemicentin 1; plus strand). Cytogenetic location: 1q31.1.
Variant type: single nucleotide variant.
Coding change: c.12788C>T on transcript NM_031935.3 (MANE Select); coding-DNA position 12788, C replaced by T.
Protein change: p.Thr4263Ile; replaces threonine 4263 with isoleucine.
Molecular consequence: missense variant.
Genome position (GRCh38, 1-based): chr1:186,128,175, C>T. VCF-style: chr1-186128175-C-T. GRCh37 (hg19) VCF-style: chr1-186097307-C-T.
Other names: short protein forms T4263I.
Identifiers: ClinVar variation 1896823 (VCV001896823.5), dbSNP rs995929053, ClinGen allele CA33461639.
Genomic context (GRCh38, chr1:186,128,175, plus strand): 5'-ATGCTGCAGGTGAAGATACACACACTGTCAGCCTGACTGTGCATGTTCTCCCCACTTTTA[C>T]TGAACTTCCTGGAGACGTGTCATTAAATAAAGGAGAACAGCTACGATTAAGCTGTAAAGC-3'
Protein context (NP_114141.2, residues 4253-4273): SLTVHVLPTF[Thr4263Ile]ELPGDVSLNK

ClinVar aggregate classification (germline): Uncertain significance (1 of 4 stars; one submission).

Allele frequency attached by ClinVar (database versions not stated): gnomAD exomes below 0.00001; TOPMed 0.00001.
gnomAD v4.1: 5 of 1,613,708 alleles (0.00031%); highest among the groups gnomAD compares: Admixed American, 0.005%; no homozygotes.

Submission:

Labcorp Genetics (formerly Invitae), Labcorp
Classification: Uncertain significance. Last evaluated: 2025-02-06. Review status: criteria provided, single submitter. Criteria: Invitae Variant Classification Sherloc (09022015). Collection method: clinical testing. Allele origin: germline.
Comment: This sequence change replaces threonine, which is neutral and polar, with isoleucine, which is neutral and non-polar, at codon 4263 of the HMCN1 protein (p.Thr4263Ile). This variant is present in population databases (no rsID available, gnomAD 0.006%). This variant has not been reported in the literature in individuals affected with HMCN1-related conditions. ClinVar contains an entry for this variant (Variation ID: 1896823). An algorithm developed to predict the effect of missense changes on protein structure and function (PolyPhen-2) suggests that this variant is likely to be disruptive. In summary, the available evidence is currently insufficient to determine the role of this variant in disease. Therefore, it has been classified as a Variant of Uncertain Significance.